The following is an entry in ClinVar:

GRCh38/hg38 1p36.32-36.23(chr1:2844760-8007940)x1

Genes: LRRC47 (leucine rich repeat containing 47; minus strand), MEGF6 (multiple EGF like domains 6; minus strand), MIR4251 (microRNA 4251; plus strand), MIR4252 (microRNA 4252; minus strand), MIR4689 (microRNA 4689; minus strand) and 222 more. Cytogenetic location: 1p36.32-36.23.
Variant type: copy number loss.
Change: copy number 1 (one copy instead of two) of chr1:2,844,760-8,007,940 (5.16 Mb, GRCh38 coordinates, 1-based), cytogenetic band 1p36.32-36.23.
Identifiers: ClinVar variation 57390 (VCV000057390.1).

ClinVar aggregate classification (germline): Pathogenic (1 of 4 stars; one submission).

Submission:

ISCA site 4
Classification: Pathogenic. Last evaluated: 2011-08-12. Review status: criteria provided, single submitter. Criteria: Kaminsky et al. (Genet Med. 2011). Collection method: clinical testing. Allele origin: unknown. Affected: yes. Observed: 1 variant allele.
Comment: Copy number variation identified through the course of routine clinical cytogenomic testing in postnatal populations. Clinical assertions have been curated as described in Kaminsky et al. 2011.